The following is an entry in ClinVar:

NM_003664.5(AP3B1):c.2389G>A (p.Val797Ile)

Gene: AP3B1 (adaptor related protein complex 3 subunit beta 1; minus strand). Cytogenetic location: 5q14.1.
Variant type: single nucleotide variant.
Coding change: c.2389G>A on transcript NM_003664.5 (MANE Select); coding-DNA position 2389, G replaced by A.
Protein change: p.Val797Ile; replaces valine 797 with isoleucine.
Molecular consequence: missense variant.
Genome position (GRCh38, 1-based): chr5:78,110,215, C>T on the plus strand (G>A on the coding strand, the complement: AP3B1 is on the minus strand). VCF-style: chr5-78110215-C-T. GRCh37 (hg19) VCF-style: chr5-77406039-C-T.
Other names: c.2242G>A, p.Val748Ile (NM_001271769.2); short protein forms V748I, V797I.
Identifiers: ClinVar variation 1475592 (VCV001475592.6), dbSNP rs770603726, ClinGen allele CA360182441.
Genomic context (GRCh38, chr5:78,110,215, plus strand): 5'-AGTTGCTATAAGAATATTTACCTTCAATTACAACAAATGTATAATCTCTTACCTTAGTGA[C>T]TCTTCTGGATTCAGATTCACTTTCAGGTTCTGACTCTGATTCAGAATCGGAAGAACTGTC-3'
Protein context (NP_003655.3, residues 787-807): EPESESESRR[Val797Ile]TKEKEKKTKQ

ClinVar aggregate classification (germline): Uncertain significance (1 of 4 stars; one submission).

Conditions:
Hermansky-Pudlak syndrome 2 (HPS2). Also called: Platelet defects and oculocutaneous albinism. Identifiers: Orphanet 183678, Orphanet 79430, MedGen C1842362, MONDO:0011997, OMIM 608233.

gnomAD v4.1: 1 of 1,604,060 alleles (0.000062%); highest among the groups gnomAD compares: Non-Finnish European, 0.000085%; no homozygotes.

Submission:

Labcorp Genetics (formerly Invitae), Labcorp
Classification: Uncertain significance for Hermansky-Pudlak syndrome 2. Last evaluated: 2021-11-25. Review status: criteria provided, single submitter. Criteria: Invitae Variant Classification Sherloc (09022015). Collection method: clinical testing. Allele origin: germline.
Comment: In summary, the available evidence is currently insufficient to determine the role of this variant in disease. Therefore, it has been classified as a Variant of Uncertain Significance. Algorithms developed to predict the effect of missense changes on protein structure and function output the following: SIFT: "Tolerated"; PolyPhen-2: "Benign"; Align-GVGD: "Class C0". The isoleucine amino acid residue is found in multiple mammalian species, which suggests that this missense change does not adversely affect protein function. This variant has not been reported in the literature in individuals affected with AP3B1-related conditions. This variant is not present in population databases (gnomAD no frequency). This sequence change replaces valine, which is neutral and non-polar, with isoleucine, which is neutral and non-polar, at codon 797 of the AP3B1 protein (p.Val797Ile).